The following is an entry in ClinVar:

NM_015910.7(WDPCP):c.1915+2del

Gene: WDPCP (WD repeat containing planar cell polarity effector; minus strand). Cytogenetic location: 2p15.
Variant type: Deletion.
Coding change: c.1915+2del on transcript NM_015910.7 (MANE Select); the canonical splice donor site of the intron after coding-DNA position 1915, one base deleted (T; older notation c.1915+2delT).
Molecular consequence: splice donor variant.
Genome position (GRCh38, 1-based): chr2:63,259,305, A deleted on the plus strand (T on the coding strand, the reverse complement: WDPCP is on the minus strand). VCF-style (leftmost placement, unchanged base first): chr2-63259304-TA-T. GRCh37 (hg19) VCF-style: chr2-63486439-TA-T.
Other names: c.1843+2del (NM_001354044.2); c.1438+2del (NM_001042692.3).
Identifiers: ClinVar variation 2121646 (VCV002121646.4), dbSNP rs2466713909, ClinGen allele CA2580067616.

ClinVar aggregate classification (germline): Likely pathogenic (1 of 4 stars; one submission).

Conditions:
Bardet-Biedl syndrome (BBS). Identifiers: Orphanet 110, MedGen C0752166, MONDO:0015229.

Submission:

Labcorp Genetics (formerly Invitae), Labcorp
Classification: Likely pathogenic for Bardet-Biedl syndrome. Last evaluated: 2022-11-08. Review status: criteria provided, single submitter. Criteria: Invitae Variant Classification Sherloc (09022015). Collection method: clinical testing. Allele origin: germline.
Comment: In summary, the currently available evidence indicates that the variant is pathogenic, but additional data are needed to prove that conclusively. Therefore, this variant has been classified as Likely Pathogenic. Algorithms developed to predict the effect of sequence changes on RNA splicing suggest that this variant may disrupt the consensus splice site. This variant has not been reported in the literature in individuals affected with WDPCP-related conditions. This variant is not present in population databases (gnomAD no frequency). This sequence change affects a splice site in intron 14 of the WDPCP gene. It is expected to disrupt RNA splicing. Variants that disrupt the donor or acceptor splice site typically lead to a loss of protein function (PMID: 16199547), and loss-of-function variants in WDPCP are known to be pathogenic (PMID: 20671153, 25427950, 27158779).

Literature cited by the submitters: PubMed 16199547; PubMed 20671153; PubMed 25427950; PubMed 27158779.